The following is an entry in ClinVar:

ClinVar aggregate classification (germline): Uncertain significance. Review status: criteria provided, multiple submitters, no conflicts (2 of 4 stars). 3 submissions from 3 submitters: Uncertain significance (3). Last evaluated 2025-11-05.

Conditions:
Inborn genetic diseases. Identifiers: MedGen C0950123, MeSH D030342.
Townes-Brocks syndrome 1 (TBS1). Also called: DEAFNESS, SENSORINEURAL, WITH IMPERFORATE ANUS AND THUMB ANOMALIES; REAR SYNDROME; RENAL-EAR-ANAL-RADIAL SYNDROME; SALL1-Related Townes-Brocks Syndrome. Identifiers: Orphanet 857, MedGen C4551481, MONDO:0054581, OMIM 107480.

Allele frequency attached by ClinVar (database versions not stated): gnomAD exomes below 0.00001 and 0.00001; ExAC 0.00001; ESP Exome Variant Server 0.00008.

Submissions (3):

Ambry Genetics
Classification: Uncertain significance for Inborn genetic diseases. Last evaluated: 2025-11-05. Review status: criteria provided, single submitter. Criteria: Ambry Variant Classification Scheme 2023. Collection method: clinical testing. Allele origin: germline.
Comment: The c.1016C>T (p.P339L) alteration is located in exon 2 (coding exon 2) of the SALL1 gene. This alteration results from a C to T substitution at nucleotide position 1016, causing the proline (P) at amino acid position 339 to be replaced by a leucine (L). Based on data from gnomAD, the T allele has an overall frequency of <0.001% (1/251436) total alleles studied. The highest observed frequency was 0.001% (1/113742) of European (non-Finnish) alleles. Based on insufficient or conflicting evidence, the clinical significance of this alteration remains unclear.

Fulgent Genetics
Classification: Uncertain significance for Townes-Brocks syndrome 1. Last evaluated: 2022-03-23. Review status: criteria provided, single submitter. Criteria: ACMG Guidelines, 2015. Collection method: clinical testing. Allele origin: unknown.

GeneDx
Classification: Uncertain significance. Last evaluated: 2019-07-26. Review status: criteria provided, single submitter. Criteria: GeneDx Variant Classification Process June 2021. Collection method: clinical testing. Allele origin: germline. Affected: yes.
Comment: In silico analysis, which includes protein predictors and evolutionary conservation, supports a deleterious effect; Has not been previously published as pathogenic or benign to our knowledge

NM_002968.3(SALL1):c.1016C>T (p.Pro339Leu)

Gene: SALL1 (spalt like transcription factor 1; minus strand). Cytogenetic location: 16q12.1.
Variant type: single nucleotide variant.
Coding change: c.1016C>T on transcript NM_002968.3 (MANE Select); coding-DNA position 1016, C replaced by T.
Protein change: p.Pro339Leu; replaces proline 339 with leucine.
Molecular consequence: missense variant.
Genome position (GRCh38, 1-based): chr16:51,141,206, G>A on the plus strand (C>T on the coding strand, the complement: SALL1 is on the minus strand). VCF-style: chr16-51141206-G-A. GRCh37 (hg19) VCF-style: chr16-51175117-G-A.
Other names: c.725C>T, p.Pro242Leu (NM_001127892.2); short protein forms P242L, P339L.
Identifiers: ClinVar variation 1307259 (VCV001307259.6), dbSNP rs150467434, ClinGen allele CA8053357.